The following is an entry in ClinVar:

ClinVar aggregate classification (germline): Pathogenic. Review status: criteria provided, multiple submitters, no conflicts (2 of 4 stars). 3 submissions from 3 submitters: Pathogenic (3). Last evaluated 2025-12-31.

Conditions:
DYSF-related disorder. Also called: DYSF-related condition; DYSF-related disorders.
Neuromuscular disease caused by qualitative or quantitative defects of dysferlin. Also called: Dysferlinopathy; Qualitative or quantitative defects of dysferlin. Identifiers: Orphanet 207073, MedGen C2931687, MONDO:0016145.
Miyoshi muscular dystrophy 1 (MMD1). Identifiers: Orphanet 45448, MedGen C4551973, MONDO:0024545, OMIM 254130.

Submissions (3):

3billion
Classification: Pathogenic for DYSF-related disorder. Last evaluated: 2025-12-31. Review status: criteria provided, single submitter. Criteria: ACMG Guidelines, 2015. Collection method: clinical testing. Allele origin: germline. Affected: yes.
Comment: The variant is not observed in the gnomAD v4.1.0 dataset. Predicted Consequence/Location: Stop-gained (nonsense): predicted to result in a loss or disruption of normal protein function through nonsense-mediated decay (NMD) or protein truncation. Multiple pathogenic variants are reported downstream of the variant. The variant has been reported at least twice as pathogenic without evidence for the classification (ClinVar ID: VCV001458148 /PMID: 16010686). Therefore, this variant is classified as Pathogenic according to the recommendation of ACMG/AMP guideline.

Baylor Genetics
Classification: Pathogenic for Miyoshi muscular dystrophy 1. Last evaluated: 2024-01-06. Review status: criteria provided, single submitter. Criteria: ACMG Guidelines, 2015. Collection method: clinical testing. Allele origin: unknown.

Labcorp Genetics (formerly Invitae), Labcorp
Classification: Pathogenic for Neuromuscular disease caused by qualitative or quantitative defects of dysferlin. Last evaluated: 2021-09-09. Review status: criteria provided, single submitter. Criteria: Invitae Variant Classification Sherloc (09022015). Collection method: clinical testing. Allele origin: germline.
Comment: This premature translational stop signal has been observed in individual(s) with clinical features of DYSF-related conditions (PMID: 16010686, 17698709, 18853459). For these reasons, this variant has been classified as Pathogenic. This variant is not present in population databases (ExAC no frequency). This sequence change creates a premature translational stop signal (p.Gln1323*) in the DYSF gene. It is expected to result in an absent or disrupted protein product. Loss-of-function variants in DYSF are known to be pathogenic (PMID: 17698709, 20301480).

Literature cited by the submitters: PubMed 16010686 (cited by 3billion and Labcorp Genetics (formerly Invitae), Labcorp); PubMed 17698709 (cited by Labcorp Genetics (formerly Invitae), Labcorp); PubMed 18853459 (cited by Labcorp Genetics (formerly Invitae), Labcorp); PubMed 20301480 (cited by Labcorp Genetics (formerly Invitae), Labcorp).

NM_001130987.2(DYSF):c.4021C>T (p.Gln1341Ter)

Gene: DYSF (dysferlin; plus strand). Cytogenetic location: 2p13.2.
Variant type: single nucleotide variant.
Coding change: c.4021C>T on transcript NM_001130987.2 (MANE Select); coding-DNA position 4021, C replaced by T.
Protein change: p.Gln1341Ter; replaces glutamine 1341 with a stop codon.
Molecular consequence: nonsense.
Genome position (GRCh38, 1-based): chr2:71,611,308, C>T. VCF-style: chr2-71611308-C-T. GRCh37 (hg19) VCF-style: chr2-71838438-C-T.
Other names: c.3970C>T, p.Gln1324Ter (NM_001130455.2, NM_001130983.2); c.3925C>T, p.Gln1309Ter (NM_001130976.2, NM_001130977.2); c.3967C>T, p.Gln1323Ter (NM_001130978.2, NM_003494.4); c.4060C>T, p.Gln1354Ter (NM_001130979.2); c.4018C>T, p.Gln1340Ter (NM_001130980.2, NM_001130981.2); c.4063C>T, p.Gln1355Ter (NM_001130982.2); c.3928C>T, p.Gln1310Ter (NM_001130984.2, NM_001130986.2); c.4021C>T, p.Gln1341Ter (NM_001130985.2); short protein forms Q1310*, Q1323*, Q1340*, Q1354*, Q1324*, Q1341*, Q1309*, Q1355*.
Identifiers: ClinVar variation 1458148 (VCV001458148.8), dbSNP rs147950418, ClinGen allele CA347228293.